The following is an entry in ClinVar:

NM_000350.3(ABCA4):c.3329-1G>A

Gene: ABCA4 (ATP binding cassette subfamily A member 4; minus strand). Cytogenetic location: 1p22.1.
Variant type: single nucleotide variant.
Coding change: c.3329-1G>A on transcript NM_000350.3 (MANE Select); the canonical splice acceptor site of the intron before coding-DNA position 3329, G replaced by A.
Molecular consequence: splice acceptor variant.
Genome position (GRCh38, 1-based): chr1:94,041,403, C>T on the plus strand (G>A on the coding strand, the complement: ABCA4 is on the minus strand). VCF-style: chr1-94041403-C-T. GRCh37 (hg19) VCF-style: chr1-94506959-C-T.
Identifiers: ClinVar variation 865774 (VCV000865774.4), dbSNP rs544428779, ClinGen allele CA957962.

ClinVar aggregate classification (germline): Pathogenic. Review status: criteria provided, multiple submitters, no conflicts (2 of 4 stars). 3 submissions from 3 submitters: Pathogenic (3). Last evaluated 2025-11-24.

Conditions:
Retinal dystrophy. Also called: Inherited retinal dystrophy. Identifiers: Orphanet 71862, MedGen C0854723, MeSH D058499, MONDO:0019118, HP:0000556.
ABCA4-related disorder. Also called: ABCA4-related condition; ABCA4-related disorders. Identifiers: MedGen CN239167.

Allele frequency attached by ClinVar (database versions not stated): ExAC 0.00001; gnomAD 0.00001; gnomAD exomes 0.00001; 1000 Genomes Project 30x 0.00016; 1000 Genomes Project 0.00020.
gnomAD v4.1: 8 of 1,613,556 alleles (0.0005%); highest among the groups gnomAD compares: African/African-American, 0.0013%; no homozygotes.

Submissions (3):

Labcorp Genetics (formerly Invitae), Labcorp
Classification: Pathogenic. Last evaluated: 2025-11-24. Review status: criteria provided, single submitter. Criteria: Invitae Variant Classification Sherloc (09022015). Collection method: clinical testing. Allele origin: germline.
Comment: This sequence change affects an acceptor splice site in intron 22 of the ABCA4 gene. It is expected to disrupt RNA splicing. Variants that disrupt the donor or acceptor splice site typically lead to a loss of protein function (PMID: 16199547), and loss-of-function variants in ABCA4 are known to be pathogenic (PMID: 10958761, 24938718, 25312043, 26780318). This variant is present in population databases (rs544428779, gnomAD 0.007%). Disruption of this splice site has been observed in individual(s) with Stargardt disease (PMID: 32307445). ClinVar contains an entry for this variant (Variation ID: 865774). Algorithms developed to predict the effect of sequence changes on RNA splicing suggest that this variant may disrupt the consensus splice site. For these reasons, this variant has been classified as Pathogenic.

Blueprint Genetics
Classification: Pathogenic for ABCA4-related disorders. Last evaluated: 2024-11-25. Review status: criteria provided, single submitter. Criteria: ACMG Guidelines, 2015. Collection method: clinical testing. Allele origin: germline. Affected: yes. Observed: 5 variant alleles.

Institute of Human Genetics, Univ. Regensburg, Univ. Regensburg
Classification: Pathogenic for Retinal dystrophy. Last evaluated: 2019-01-01. Review status: criteria provided, single submitter. Criteria: ACMG Guidelines, 2015. Collection method: clinical testing. Allele origin: germline. Affected: yes.

Literature cited by the submitters: PubMed 16199547 (cited by Labcorp Genetics (formerly Invitae), Labcorp); PubMed 10958761 (cited by Labcorp Genetics (formerly Invitae), Labcorp); PubMed 24938718 (cited by Labcorp Genetics (formerly Invitae), Labcorp); PubMed 25312043 (cited by Labcorp Genetics (formerly Invitae), Labcorp); PubMed 26780318 (cited by Labcorp Genetics (formerly Invitae), Labcorp); PubMed 32307445 (cited by Labcorp Genetics (formerly Invitae), Labcorp and Institute of Human Genetics, Univ. Regensburg, Univ. Regensburg); PubMed 31212395 (cited by Institute of Human Genetics, Univ. Regensburg, Univ. Regensburg); PubMed 31964843 (cited by Institute of Human Genetics, Univ. Regensburg, Univ. Regensburg).